The following is an entry in ClinVar:

NM_025074.7(FRAS1):c.2575delA (p.Lys859fs)

Gene: FRAS1 (Fraser extracellular matrix complex subunit 1; plus strand). Cytogenetic location: 4q21.21.
Variant type: Deletion.
Coding change: c.2575delA on transcript NM_025074.7 (MANE Select); coding-DNA position 2575, one base deleted (A).
Protein change: p.Lys859fs; shifts the reading frame from lysine 859.
Molecular consequence: frameshift variant.
Genome position (GRCh38, 1-based): chr4:78,363,665, A deleted; the last of 4 consecutive A bases (chr4:78,363,662-78,363,665); deleting any one gives the same sequence. VCF-style (leftmost placement, unchanged base first): chr4-78363661-TA-T. GRCh37 (hg19) VCF-style: chr4-79284815-TA-T.
Other names: c.2575delA, p.Lys859fs (NM_001166133.2); short protein forms K859fs.
Identifiers: ClinVar variation 2696884 (VCV002696884.3), dbSNP rs2476855991, ClinGen allele CA2697546759.

ClinVar aggregate classification (germline): Pathogenic (1 of 4 stars; one submission).

Submission:

Labcorp Genetics (formerly Invitae), Labcorp
Classification: Pathogenic. Last evaluated: 2023-11-17. Review status: criteria provided, single submitter. Criteria: Invitae Variant Classification Sherloc (09022015). Collection method: clinical testing. Allele origin: germline.
Comment: This sequence change creates a premature translational stop signal (p.Lys859Asnfs*111) in the FRAS1 gene. It is expected to result in an absent or disrupted protein product. Loss-of-function variants in FRAS1 are known to be pathogenic (PMID: 12766769, 18671281). This variant is not present in population databases (gnomAD no frequency). This variant has not been reported in the literature in individuals affected with FRAS1-related conditions. Algorithms developed to predict the effect of sequence changes on RNA splicing suggest that this variant may create or strengthen a splice site. For these reasons, this variant has been classified as Pathogenic.

Literature cited by the submitters: PubMed 12766769; PubMed 18671281.